The following is an entry in ClinVar:

NM_017791.3(FLVCR2):c.1356C>G (p.Ile452Met)

Gene: FLVCR2 (FLVCR choline and putative heme transporter 2; plus strand). Cytogenetic location: 14q24.3.
Variant type: single nucleotide variant.
Coding change: c.1356C>G on transcript NM_017791.3 (MANE Select); coding-DNA position 1356, C replaced by G.
Protein change: p.Ile452Met; replaces isoleucine 452 with methionine.
Molecular consequence: missense variant.
Genome position (GRCh38, 1-based): chr14:75,641,196, C>G. VCF-style: chr14-75641196-C-G. GRCh37 (hg19) VCF-style: chr14-76107539-C-G.
Other names: c.741C>G, p.Ile247Met (NM_001195283.2); short protein forms I247M, I452M.
Identifiers: ClinVar variation 3516126 (VCV003516126.2).

ClinVar aggregate classification (germline): Uncertain significance. Review status: criteria provided, multiple submitters, no conflicts (2 of 4 stars). 2 submissions from 2 submitters: Uncertain significance (2). Last evaluated 2024-12-10.

Conditions:
Inborn genetic diseases. Identifiers: MedGen C0950123, MeSH D030342.

gnomAD v4.1: 14 of 1,612,894 alleles (0.00087%); highest among the groups gnomAD compares: Non-Finnish European, 0.0011%; no homozygotes.

Submissions (2):

GeneDx
Classification: Uncertain significance. Last evaluated: 2024-12-10. Review status: criteria provided, single submitter. Criteria: GeneDx Variant Classification Process June 2021. Collection method: clinical testing. Allele origin: germline. Affected: yes.
Comment: Not observed at significant frequency in large population cohorts (gnomAD); In silico analysis indicates that this missense variant does not alter protein structure/function; Has not been previously published as pathogenic or benign to our knowledge

Ambry Genetics
Classification: Uncertain significance for Inborn genetic diseases. Last evaluated: 2024-11-10. Review status: criteria provided, single submitter. Criteria: Ambry Variant Classification Scheme 2023. Collection method: clinical testing. Allele origin: germline.